The following is an entry in ClinVar:

NM_001134382.3(IQSEC1):c.2508G>A (p.Arg836=)

Gene: IQSEC1 (IQ motif and Sec7 domain ArfGEF 1; minus strand). Cytogenetic location: 3p25.2.
Variant type: single nucleotide variant.
Coding change: c.2508G>A on transcript NM_001134382.3 (MANE Select); coding-DNA position 2508, G replaced by A.
Protein change: p.Arg836=; no amino-acid change (arginine 836 retained).
Molecular consequence: synonymous variant.
Genome position (GRCh38, 1-based): chr3:12,909,343, C>T on the plus strand (G>A on the coding strand, the complement: IQSEC1 is on the minus strand). VCF-style: chr3-12909343-C-T. GRCh37 (hg19) VCF-style: chr3-12950843-C-T.
Other names: c.2184G>A, p.Arg728= (NM_001330619.3); c.2832G>A, p.Arg944= (NM_001376938.2); c.2550G>A, p.Arg850= (NM_014869.8).
Identifiers: ClinVar variation 5040150 (VCV005040150.1).

ClinVar aggregate classification (germline): Likely benign (1 of 4 stars; one submission).

Submission:

CeGaT Center for Human Genetics Tuebingen
Classification: Likely benign. Last evaluated: 2026-07-01. Review status: criteria provided, single submitter. Criteria: CeGaT Center For Human Genetics Tuebingen Variant Classification Criteria Version 2. Collection method: clinical testing. Allele origin: germline. Affected: yes. Observed: 1 variant allele.
Comment: IQSEC1: PM2:Supporting, BP4, BP7